The following is an entry in ClinVar:

ClinVar aggregate classification (germline): Conflicting classifications of pathogenicity. Review status: criteria provided, conflicting classifications (1 of 4 stars). 3 submissions from 3 submitters: Uncertain significance (1); Likely benign (2). Last evaluated 2025-01-06.

Conditions:
KMT2E-related disorder. Also called: KMT2E-related condition.

Allele frequency attached by ClinVar (database versions not stated): ExAC 0.00002; gnomAD 0.00003; TOPMed 0.00003; gnomAD exomes 0.00008.
gnomAD v4.1: 111 of 1,613,938 alleles (0.0069%); highest among the groups gnomAD compares: Non-Finnish European, 0.0092%; no homozygotes.

Submissions (3):

Labcorp Genetics (formerly Invitae), Labcorp
Classification: Uncertain significance. Last evaluated: 2025-01-06. Review status: criteria provided, single submitter. Criteria: Invitae Variant Classification Sherloc (09022015). Collection method: clinical testing. Allele origin: germline.
Comment: This sequence change replaces phenylalanine, which is neutral and non-polar, with leucine, which is neutral and non-polar, at codon 1373 of the KMT2E protein (p.Phe1373Leu). This variant is present in population databases (rs774262072, gnomAD 0.008%). This variant has not been reported in the literature in individuals affected with KMT2E-related conditions. ClinVar contains an entry for this variant (Variation ID: 2044912). Invitae Evidence Modeling of protein sequence and biophysical properties (such as structural, functional, and spatial information, amino acid conservation, physicochemical variation, residue mobility, and thermodynamic stability) indicates that this missense variant is not expected to disrupt KMT2E protein function with a negative predictive value of 80%. In summary, the available evidence is currently insufficient to determine the role of this variant in disease. Therefore, it has been classified as a Variant of Uncertain Significance.

PreventionGenetics, part of Exact Sciences
Classification: Likely benign for KMT2E-related condition. Last evaluated: 2025-01-02. Review status: criteria provided, single submitter. Criteria: ACMG Guidelines, 2015. Collection method: clinical testing. Allele origin: germline.
Comment: This variant is classified as likely benign based on ACMG/AMP sequence variant interpretation guidelines (Richards et al. 2015 PMID: 25741868, with internal and published modifications).

Blueprint Genetics
Classification: Likely benign. Last evaluated: 2022-01-20. Review status: criteria provided, single submitter. Criteria: ACMG Guidelines, 2015. Collection method: clinical testing. Allele origin: germline.

NM_182931.3(KMT2E):c.4117T>C (p.Phe1373Leu)

Gene: KMT2E (lysine methyltransferase 2E (inactive); plus strand). Cytogenetic location: 7q22.3.
Variant type: single nucleotide variant.
Coding change: c.4117T>C on transcript NM_182931.3 (MANE Select); coding-DNA position 4117, T replaced by C.
Protein change: p.Phe1373Leu; replaces phenylalanine 1373 with leucine.
Molecular consequence: missense variant.
Genome position (GRCh38, 1-based): chr7:105,111,873, T>C. VCF-style: chr7-105111873-T-C. GRCh37 (hg19) VCF-style: chr7-104752320-T-C.
Other names: c.3991T>C, p.Phe1331Leu (NM_001410908.1); c.4117T>C, p.Phe1373Leu (NM_018682.4); c.4117T>C (NM_182931.2); short protein forms F1331L, F1373L.
Identifiers: ClinVar variation 2044912 (VCV002044912.6), dbSNP rs774262072, ClinGen allele CA4424683.